The following is an entry in ClinVar:

NM_014795.4(ZEB2):c.113C>T (p.Thr38Ile)

Gene: ZEB2 (zinc finger E-box binding homeobox 2; minus strand). Cytogenetic location: 2q22.3.
Variant type: single nucleotide variant.
Coding change: c.113C>T on transcript NM_014795.4 (MANE Select); coding-DNA position 113, C replaced by T.
Protein change: p.Thr38Ile; replaces threonine 38 with isoleucine.
Molecular consequence: missense variant.
Genome position (GRCh38, 1-based): chr2:144,429,987, G>A on the plus strand (C>T on the coding strand, the complement: ZEB2 is on the minus strand). VCF-style: chr2-144429987-G-A. GRCh37 (hg19) VCF-style: chr2-145187554-G-A.
Other names: c.113C>T, p.Thr38Ile (NM_001171653.2); short protein forms T38I.
Identifiers: ClinVar variation 1312015 (VCV001312015.2), dbSNP rs2149891283, ClinGen allele CA348719042.

ClinVar aggregate classification (germline): Uncertain significance (1 of 4 stars; one submission).

Submission:

GeneDx
Classification: Uncertain significance. Last evaluated: 2020-02-07. Review status: criteria provided, single submitter. Criteria: GeneDx Variant Classification Process June 2021. Collection method: clinical testing. Allele origin: germline. Affected: yes.
Comment: Not observed in large population cohorts (Lek et al., 2016); In silico analysis supports that this missense variant has a deleterious effect on protein structure/function; Has not been previously published as pathogenic or benign to our knowledge